The following is an entry in ClinVar:

NM_000015.3(NAT2):c.191G>A (p.Arg64Gln)

Gene: NAT2 (N-acetyltransferase 2; plus strand). Cytogenetic location: 8p22.
Variant type: single nucleotide variant.
Coding change: c.191G>A on transcript NM_000015.3 (MANE Select); coding-DNA position 191, G replaced by A.
Protein change: p.Arg64Gln; replaces arginine 64 with glutamine.
Molecular consequence: missense variant.
Genome position (GRCh38, 1-based): chr8:18,400,194, G>A. VCF-style: chr8-18400194-G-A. GRCh37 (hg19) VCF-style: chr8-18257704-G-A.
Other names: 191G-A; short protein forms R64Q.
Identifiers: ClinVar variation 726 (VCV000000726.3), dbSNP rs1801279, ClinGen allele CA114455.
Genomic context (GRCh38, chr8:18,400,194, plus strand): 5'-GTGGGCAAGCCATGGAGTTGGGCTTAGAGGCTATTTTTGATCACATTGTAAGAAGAAACC[G>A]GGGTGGGTGGTGTCTCCAGGTCAATCAACTTCTGTACTGGGCTCTGACCACAATCGGTTT-3'
Protein context (NP_000006.2, residues 54-74): AIFDHIVRRN[Arg64Gln]GGWCLQVNQL

ClinVar aggregate classification (germline): Likely benign; drug response. Review status: no assertion criteria provided (0 of 4 stars). 2 submissions from 2 submitters: Likely benign (1). Last evaluated 2020-01-13.

Conditions:
Slow acetylator due to N-acetyltransferase enzyme variant. Also called: INH INACTIVATION, SLOW; ISONIAZID INACTIVATION, SLOW; SLOW ACETYLATOR PHENOTYPE; Acetylation, slow. Identifiers: MedGen C0878587, MONDO:0009472, OMIM 243400.
NAT2-related disorder. Also called: NAT2-related condition.

Allele frequency attached by ClinVar (database versions not stated): gnomAD exomes 0.00620; ExAC 0.00789; gnomAD 0.02434 and 0.02586; ESP Exome Variant Server 0.02645; TOPMed 0.02735; 1000 Genomes Project 0.02776; 1000 Genomes Project 30x 0.02904.
gnomAD v4.1: 7,342 of 1,613,190 alleles (0.46%); highest among the groups gnomAD compares: African/African-American, 8.4%; 273 homozygotes.

Submissions (2):

PreventionGenetics, part of Exact Sciences
Classification: Likely benign for NAT2-related condition. Last evaluated: 2020-01-13. Review status: no assertion criteria provided. Collection method: clinical testing. Allele origin: germline.
Comment: This variant is classified as likely benign based on ACMG/AMP sequence variant interpretation guidelines (Richards et al. 2015 PMID: 25741868, with internal and published modifications).

OMIM
Classification: drug response for ACETYLATION, SLOW. Last evaluated: 2012-10-28. Review status: no assertion criteria provided. Collection method: literature only. Allele origin: germline.

Literature cited by the submitters: PubMed 8102597 (cited by OMIM); PubMed 9156695 (cited by OMIM).